The following is an entry in ClinVar:

NM_015629.4(PRPF31):c.616G>T (p.Glu206Ter)

Gene: PRPF31 (pre-mRNA processing factor 31; plus strand). Cytogenetic location: 19q13.42.
Variant type: single nucleotide variant.
Coding change: c.616G>T on transcript NM_015629.4 (MANE Select); coding-DNA position 616, G replaced by T.
Protein change: p.Glu206Ter; replaces glutamic acid 206 with a stop codon.
Molecular consequence: nonsense.
Genome position (GRCh38, 1-based): chr19:54,123,837, G>T. VCF-style: chr19-54123837-G-T. GRCh37 (hg19) VCF-style: chr19-54627216-G-T.
Other names: short protein forms E206*.
Identifiers: ClinVar variation 1416219 (VCV001416219.8), dbSNP rs2146421194, ClinGen allele CA407750694.

ClinVar aggregate classification (germline): Pathogenic (1 of 4 stars; one submission).

Submission:

Labcorp Genetics (formerly Invitae), Labcorp
Classification: Pathogenic. Last evaluated: 2021-06-06. Review status: criteria provided, single submitter. Criteria: Invitae Variant Classification Sherloc (09022015). Collection method: clinical testing. Allele origin: germline.
Comment: For these reasons, this variant has been classified as Pathogenic. This variant has been observed in individual(s) with retinitis pigmentosa (PMID: 24154662). This variant is not present in population databases (ExAC no frequency). This sequence change creates a premature translational stop signal (p.Glu206*) in the PRPF31 gene. It is expected to result in an absent or disrupted protein product. Loss-of-function variants in PRPF31 are known to be pathogenic (PMID: 18317597, 23950152).

Literature cited by the submitters: PubMed 24154662; PubMed 18317597; PubMed 23950152.